The following is an entry in ClinVar:

NM_020812.4(DOCK6):c.270G>A (p.Arg90=)

Gene: DOCK6 (dedicator of cytokinesis 6; minus strand). Cytogenetic location: 19p13.2.
Variant type: single nucleotide variant.
Coding change: c.270G>A on transcript NM_020812.4 (MANE Select); coding-DNA position 270, G replaced by A.
Protein change: p.Arg90=; no amino-acid change (arginine 90 retained).
Molecular consequence: synonymous variant.
Genome position (GRCh38, 1-based): chr19:11,252,821, C>T on the plus strand (G>A on the coding strand, the complement: DOCK6 is on the minus strand). VCF-style: chr19-11252821-C-T. GRCh37 (hg19) VCF-style: chr19-11363497-C-T.
Other names: c.270G>A, p.Arg90= (NM_001367830.1); c.270G>A (NM_020812.3).
Identifiers: ClinVar variation 1594628 (VCV001594628.9), dbSNP rs377251719, ClinGen allele CA9208579.
Genomic context (GRCh38, chr19:11,252,821, plus strand): 5'-GAGGGCGTGGGGCTGAACCCACTCATCCTTGGGGATCCCGGGCTCCGTGGTCCGGCATTC[C>T]CGGGGCTGCAGCAGCAGCTCCAAGTCATCAGCTGGGAATTCTACCAGGTCCCTGAGGGGC-3'
Protein context (NP_065863.2, residues 80-100): ADDLELLLQP[Arg90=]ECRTTEPGIP

ClinVar aggregate classification (germline): Likely benign. Review status: criteria provided, multiple submitters, no conflicts (2 of 4 stars). 2 submissions from 2 submitters: Likely benign (2). Last evaluated 2025-10-22.

Conditions:
DOCK6-related disorder. Also called: DOCK6-related condition.

Allele frequency attached by ClinVar (database versions not stated): ESP Exome Variant Server 0.00008.
gnomAD v4.1: 52 of 1,613,230 alleles (0.0032%); highest among the groups gnomAD compares: Non-Finnish European, 0.0042%; no homozygotes.

Submissions (2):

PreventionGenetics, part of Exact Sciences
Classification: Likely benign for DOCK6-related condition. Last evaluated: 2025-10-22. Review status: criteria provided, single submitter. Criteria: ACMG Guidelines, 2015. Collection method: clinical testing. Allele origin: germline.
Comment: This variant is classified as likely benign based on ACMG/AMP sequence variant interpretation guidelines (Richards et al. 2015 PMID: 25741868, with internal and published modifications).

Labcorp Genetics (formerly Invitae), Labcorp
Classification: Likely benign. Last evaluated: 2025-09-10. Review status: criteria provided, single submitter. Criteria: Invitae Variant Classification Sherloc (09022015). Collection method: clinical testing. Allele origin: germline.